The following is an entry in ClinVar:

ClinVar aggregate classification (germline): Likely benign (1 of 4 stars; one submission).

Submission:

CeGaT Center for Human Genetics Tuebingen
Classification: Likely benign. Last evaluated: 2022-03-01. Review status: criteria provided, single submitter. Criteria: CeGaT Center For Human Genetics Tuebingen Variant Classification Criteria Version 2. Collection method: clinical testing. Allele origin: germline. Affected: yes. Observed: 1 variant allele.
Comment: QRICH2: BP4

NM_001388453.1(QRICH2):c.2540T>A (p.Val847Asp)

Gene: QRICH2 (glutamine rich 2; minus strand). Cytogenetic location: 17q25.1.
Variant type: single nucleotide variant.
Coding change: c.2540T>A on transcript NM_001388453.1 (MANE Select); coding-DNA position 2540, T replaced by A.
Protein change: p.Val847Asp; replaces valine 847 with aspartic acid.
Molecular consequence: missense variant.
Genome position (GRCh38, 1-based): chr17:76,292,187, A>T on the plus strand (T>A on the coding strand, the complement: QRICH2 is on the minus strand). VCF-style: chr17-76292187-A-T. GRCh37 (hg19) VCF-style: chr17-74288268-A-T.
Other names: c.2540T>A, p.Val847Asp (NM_032134.3); short protein forms V847D.
Identifiers: ClinVar variation 2648309 (VCV002648309.24), dbSNP rs6501874, ClinGen allele CA8784021.
Genomic context (GRCh38, chr17:76,292,187, plus strand): 5'-TCCACTCCAGGTTGGACCAAACCACGCTGATCTGCACCAGGTTGGACCAAACCATGCTGA[A>T]CTGCACCAGGTTGGACCAAACCACGCTGAACTGCACCAGGTTGAACCAAACCACGCTGAT-3'
Protein context (NP_001375382.1, residues 837-857): VQRGLVQPGA[Val847Asp]QHGLVQPGAD